The following is an entry in ClinVar:

NC_000013.10:g.(?_108860881)_(108863616_?)del

Gene: LIG4 (DNA ligase 4; minus strand). Cytogenetic location: 13q33.3.
Variant type: Deletion.
Identifiers: ClinVar variation 1459476 (VCV001459476.4).

ClinVar aggregate classification (germline): Pathogenic (1 of 4 stars; one submission).

Conditions:
DNA ligase IV deficiency. Identifiers: Orphanet 99812, MedGen C1847827, MONDO:0011686, OMIM 606593.

Submission:

Labcorp Genetics (formerly Invitae), Labcorp
Classification: Pathogenic for DNA ligase IV deficiency. Last evaluated: 2022-10-05. Review status: criteria provided, single submitter. Criteria: Invitae Variant Classification Sherloc (09022015). Collection method: clinical testing. Allele origin: germline.
Comment: A gross deletion of the genomic region encompassing the full coding sequence of the LIG4 gene has been identified. Loss-of-function variants in LIG4 are known to be pathogenic (PMID: 21664875). The boundaries of this event are unknown as they extend beyond the assayed region for this gene and therefore may encompass additional genes. This variant has not been reported in the literature in individuals affected with LIG4-related conditions. For these reasons, this variant has been classified as Pathogenic.

Literature cited by the submitters: PubMed 21664875.